The following is an entry in ClinVar:

NM_003321.5(TUFM):c.1120G>A (p.Val374Met)

Gene: TUFM (Tu translation elongation factor, mitochondrial; minus strand). Cytogenetic location: 16p11.2.
Variant type: single nucleotide variant.
Coding change: c.1120G>A on transcript NM_003321.5 (MANE Select); coding-DNA position 1120, G replaced by A.
Protein change: p.Val374Met; replaces valine 374 with methionine.
Molecular consequence: missense variant.
Genome position (GRCh38, 1-based): chr16:28,843,810, C>T on the plus strand (G>A on the coding strand, the complement: TUFM is on the minus strand). VCF-style: chr16-28843810-C-T. GRCh37 (hg19) VCF-style: chr16-28855131-C-T.
Other names: c.1036G>A, p.Val346Met (NM_001365360.2); short protein forms V374M, V346M.
Identifiers: ClinVar variation 215309 (VCV000215309.14), dbSNP rs114590091, ClinGen allele CA323270.

ClinVar aggregate classification (germline): Conflicting classifications of pathogenicity. Review status: criteria provided, conflicting classifications (1 of 4 stars). 3 submissions from 3 submitters: Uncertain significance (1); Likely benign (1). 1 of the submissions does not count toward it. Last evaluated 2025-11-12.

Conditions:
TUFM-related disorder. Also called: TUFM-related condition.
Combined oxidative phosphorylation defect type 4. Identifiers: Orphanet 254925, MedGen C1857682, MONDO:0012534, OMIM 610678.

Allele frequency attached by ClinVar (database versions not stated): gnomAD exomes 0.00009 and 0.00016; ExAC 0.00024; gnomAD 0.00066 and 0.00071; TOPMed 0.00067; 1000 Genomes Project 0.00080; ESP Exome Variant Server 0.00085; 1000 Genomes Project 30x 0.00094.
gnomAD v4.1: 237 of 1,614,130 alleles (0.015%); highest among the groups gnomAD compares: African/African-American, 0.23%; no homozygotes.

Submissions (3):

Labcorp Genetics (formerly Invitae), Labcorp
Classification: Likely benign. Last evaluated: 2025-11-12. Review status: criteria provided, single submitter. Criteria: Invitae Variant Classification Sherloc (09022015). Collection method: clinical testing. Allele origin: germline.

Illumina Laboratory Services, Illumina
Classification: Uncertain significance for Combined oxidative phosphorylation defect type 4. Last evaluated: 2018-01-13. Review status: criteria provided, single submitter. Criteria: ICSL Variant Classification Criteria 13 December 2019. Collection method: clinical testing. Allele origin: germline.

PreventionGenetics, part of Exact Sciences
Classification: Likely benign for TUFM-related condition. Last evaluated: 2022-02-18. Review status: no assertion criteria provided. Collection method: clinical testing. Allele origin: germline. Not counted in ClinVar's aggregate classification.
Comment: This variant is classified as likely benign based on ACMG/AMP sequence variant interpretation guidelines (Richards et al. 2015 PMID: 25741868, with internal and published modifications).